The following is an entry in ClinVar:

NM_000719.7(CACNA1C):c.5845C>T (p.Pro1949Ser)

Genes: CACNA1C (calcium voltage-gated channel subunit alpha1 C; plus strand), CACNA1C-AS1 (CACNA1C antisense RNA 1; minus strand). Cytogenetic location: 12p13.33.
Variant type: single nucleotide variant.
Coding change: c.5845C>T on transcript NM_000719.7 (MANE Select); coding-DNA position 5845, C replaced by T.
Protein change: p.Pro1949Ser; replaces proline 1949 with serine.
Molecular consequence: missense variant.
Genome position (GRCh38, 1-based): chr12:2,688,507, C>T. VCF-style: chr12-2688507-C-T. GRCh37 (hg19) VCF-style: chr12-2797673-C-T.
Other names: c.5989C>T, p.Pro1997Ser (NM_001129827.2); c.5968C>T, p.Pro1990Ser (NM_001129829.2); c.5950C>T, p.Pro1984Ser (NM_001129830.3, NM_001167624.3); c.5929C>T, p.Pro1977Ser (NM_001129831.2); c.5905C>T, p.Pro1969Ser (NM_001129832.2); c.5902C>T, p.Pro1968Ser (NM_001129833.2, NM_001129834.2, NM_001129835.2); c.5896C>T, p.Pro1966Ser (NM_001129836.2); c.5869C>T, p.Pro1957Ser (NM_001129837.2, NM_001129838.2); and 6 more; short protein forms P1938S, P1946S, P1949S, P1955S, P1957S, P1966S, P1968S, P1969S.
Identifiers: ClinVar variation 1026518 (VCV001026518.9), dbSNP rs770192725, ClinGen allele CA6390007.

ClinVar aggregate classification (germline): Uncertain significance (1 of 4 stars; one submission).

Conditions:
Long QT syndrome (LQTS). Identifiers: MedGen C0023976, MeSH D008133, MONDO:0002442. Disease mechanism: loss of function. Inheritance: Various modes of inheritance.

Allele frequency attached by ClinVar (database versions not stated): ExAC 0.00001; gnomAD 0.00001; gnomAD exomes 0.00001; TOPMed 0.00001.
gnomAD v4.1: 9 of 1,613,812 alleles (0.00056%); highest among the groups gnomAD compares: Non-Finnish European, 0.00076%; no homozygotes.

Submission:

Labcorp Genetics (formerly Invitae), Labcorp
Classification: Uncertain significance for Long QT syndrome. Last evaluated: 2024-07-22. Review status: criteria provided, single submitter. Criteria: Invitae Variant Classification Sherloc (09022015). Collection method: clinical testing. Allele origin: germline.
Comment: This sequence change replaces proline, which is neutral and non-polar, with serine, which is neutral and polar, at codon 1949 of the CACNA1C protein (p.Pro1949Ser). This variant is present in population databases (rs770192725, gnomAD 0.002%). This variant has not been reported in the literature in individuals affected with CACNA1C-related conditions. ClinVar contains an entry for this variant (Variation ID: 1026518). Advanced modeling of protein sequence and biophysical properties (such as structural, functional, and spatial information, amino acid conservation, physicochemical variation, residue mobility, and thermodynamic stability) performed at Invitae indicates that this missense variant is not expected to disrupt CACNA1C protein function with a negative predictive value of 95%. In summary, the available evidence is currently insufficient to determine the role of this variant in disease. Therefore, it has been classified as a Variant of Uncertain Significance.